The following is an entry in ClinVar:

ClinVar aggregate classification (germline): Uncertain significance (1 of 4 stars; one submission).

Conditions:
Joubert syndrome 23 (JBTS23). Identifiers: Orphanet 475, MedGen C4084822, MONDO:0014664, OMIM 616490.
Short-rib thoracic dysplasia 14 with polydactyly (SRTD14). Identifiers: Orphanet 397715, MedGen C4225286, MONDO:0014688, OMIM 616546.

Submission:

Labcorp Genetics (formerly Invitae), Labcorp
Classification: Uncertain significance for Joubert syndrome 23; Short-rib thoracic dysplasia 14 with polydactyly. Last evaluated: 2023-09-25. Review status: criteria provided, single submitter. Criteria: Invitae Variant Classification Sherloc (09022015). Collection method: clinical testing. Allele origin: germline.
Comment: This variant has not been reported in the literature in individuals affected with KIAA0586-related conditions. In summary, the available evidence is currently insufficient to determine the role of this variant in disease. Therefore, it has been classified as a Variant of Uncertain Significance. An algorithm developed to predict the effect of missense changes on protein structure and function (PolyPhen-2) suggests that this variant¬†is likely to be tolerated. ClinVar contains an entry for this variant (Variation ID: 1352921). This variant is not present in population databases (gnomAD no frequency). This sequence change replaces methionine, which is neutral and non-polar, with arginine, which is basic and polar, at codon 98 of the KIAA0586 protein (p.Met98Arg).

NM_001329943.3(KIAA0586):c.257T>G (p.Met86Arg)

Gene: KIAA0586 (KIAA0586; plus strand). Cytogenetic location: 14q23.1.
Variant type: single nucleotide variant.
Coding change: c.257T>G on transcript NM_001329943.3 (MANE Select); coding-DNA position 257, T replaced by G.
Protein change: p.Met86Arg; replaces methionine 86 with arginine.
Molecular consequence: missense variant. On other transcripts: initiator codon variant (5).
Genome position (GRCh38, 1-based): chr14:58,429,420, T>G. VCF-style: chr14-58429420-T-G. GRCh37 (hg19) VCF-style: chr14-58896138-T-G.
Other names: c.293T>G, p.Met98Arg (NM_001244189.2); c.212T>G, p.Met71Arg (NM_001244190.2); c.2T>G, p.Met1Arg (NM_001244191.2, NM_001244192.2, NM_001329945.2 and 2 more transcripts); c.257T>G, p.Met86Arg (NM_001329944.2, NM_001329946.2, NM_001329947.2 and 1 more transcripts); short protein forms M1R, M98R, M71R, M86R.
Identifiers: ClinVar variation 1352921 (VCV001352921.6), dbSNP rs74055693, ClinGen allele CA389859468.